The following is an entry in ClinVar:

ClinVar aggregate classification (germline): Uncertain significance (1 of 4 stars; one submission).

Conditions:
Primary ciliary dyskinesia. Also called: Ciliary dyskinesia. Identifiers: Orphanet 244, MedGen C0008780, MONDO:0016575, HP:0012265.

gnomAD v4.1: 1 of 1,531,390 alleles (0.000065%); highest among the groups gnomAD compares: East Asian, 0.0025%; no homozygotes.

Submission:

Labcorp Genetics (formerly Invitae), Labcorp
Classification: Uncertain significance for Primary ciliary dyskinesia. Last evaluated: 2025-11-27. Review status: criteria provided, single submitter. Criteria: Invitae Variant Classification Sherloc (09022015). Collection method: clinical testing. Allele origin: germline.
Comment: This sequence change replaces serine, which is neutral and polar, with alanine, which is neutral and non-polar, at codon 410 of the DNAAF2 protein (p.Ser410Ala). This variant is not present in population databases (gnomAD no frequency). This variant has not been reported in the literature in individuals affected with DNAAF2-related conditions. Invitae Evidence Modeling of protein sequence and biophysical properties (such as structural, functional, and spatial information, amino acid conservation, physicochemical variation, residue mobility, and thermodynamic stability) indicates that this missense variant is not expected to disrupt DNAAF2 protein function with a negative predictive value of 80%. In summary, the available evidence is currently insufficient to determine the role of this variant in disease. Therefore, it has been classified as a Variant of Uncertain Significance.

NM_018139.3(DNAAF2):c.1228T>G (p.Ser410Ala)

Genes: DNAAF2 (dynein axonemal assembly factor 2; minus strand), LOC130055542 (ATAC-STARR-seq lymphoblastoid silent region 5699; plus strand). Cytogenetic location: 14q21.3.
Variant type: single nucleotide variant.
Coding change: c.1228T>G on transcript NM_018139.3 (MANE Select); coding-DNA position 1228, T replaced by G.
Protein change: p.Ser410Ala; replaces serine 410 with alanine.
Molecular consequence: missense variant. On other transcripts: 5 prime UTR variant (1).
Genome position (GRCh38, 1-based): chr14:49,633,922, A>C on the plus strand (T>G on the coding strand, the complement: DNAAF2 is on the minus strand). VCF-style: chr14-49633922-A-C. GRCh37 (hg19) VCF-style: chr14-50100640-A-C.
Other names: c.1228T>G, p.Ser410Ala (NM_001083908.2); c.-644T>G (NM_001378453.1); short protein forms S410A.
Identifiers: ClinVar variation 4740139 (VCV004740139.1).
Genomic context (GRCh38, chr14:49,633,922, plus strand): 5'-CCTCTCCAGCTGCGGCCGGCGGAGGCGCCACCTCCGGGTCGCCCAGGGTGGTGACCCCGG[A>C]GCCCGCAGCCCCAGCCACGCAGGTATCGTGGCCTCCGTCCTCCGCGCGACTCCTCGCGGG-3'
Protein context (NP_060609.2, residues 400-420): HDTCVAGAAG[Ser410Ala]GVTTLGDPEV